The following is an entry in ClinVar:

ClinVar aggregate classification (germline): Uncertain significance (1 of 4 stars; one submission).

gnomAD v4.1: 1 of 1,613,186 alleles (0.000062%); highest among the groups gnomAD compares: Non-Finnish European, 0.000085%; no homozygotes.

Submission:

Labcorp Genetics (formerly Invitae), Labcorp
Classification: Uncertain significance. Last evaluated: 2022-04-09. Review status: criteria provided, single submitter. Criteria: Invitae Variant Classification Sherloc (09022015). Collection method: clinical testing. Allele origin: germline.
Comment: In summary, the available evidence is currently insufficient to determine the role of this variant in disease. Therefore, it has been classified as a Variant of Uncertain Significance. Algorithms developed to predict the effect of missense changes on protein structure and function are either unavailable or do not agree on the potential impact of this missense change (SIFT: "Deleterious"; PolyPhen-2: "Benign"; Align-GVGD: "Class C0"). This variant has not been reported in the literature in individuals affected with USH2A-related conditions. This variant is not present in population databases (gnomAD no frequency). This sequence change replaces asparagine, which is neutral and polar, with isoleucine, which is neutral and non-polar, at codon 405 of the USH2A protein (p.Asn405Ile).

NM_206933.4(USH2A):c.1214A>T (p.Asn405Ile)

Gene: USH2A (usherin; minus strand). Cytogenetic location: 1q41.
Variant type: single nucleotide variant.
Coding change: c.1214A>T on transcript NM_206933.4 (MANE Select); coding-DNA position 1214, A replaced by T.
Protein change: p.Asn405Ile; replaces asparagine 405 with isoleucine.
Molecular consequence: missense variant.
Genome position (GRCh38, 1-based): chr1:216,324,282, T>A on the plus strand (A>T on the coding strand, the complement: USH2A is on the minus strand). VCF-style: chr1-216324282-T-A. GRCh37 (hg19) VCF-style: chr1-216497624-T-A.
Other names: c.1214A>T, p.Asn405Ile (NM_007123.6); short protein forms N405I.
Identifiers: ClinVar variation 1929569 (VCV001929569.5), dbSNP rs2527436398, ClinGen allele CA344911824.